The following is an entry in ClinVar:

ClinVar aggregate classification (germline): Pathogenic (1 of 4 stars; one submission).

Allele frequency attached by ClinVar (database versions not stated): gnomAD exomes below 0.00001.

Submission:

Labcorp Genetics (formerly Invitae), Labcorp
Classification: Pathogenic. Last evaluated: 2022-05-27. Review status: criteria provided, single submitter. Criteria: Invitae Variant Classification Sherloc (09022015). Collection method: clinical testing. Allele origin: germline.
Comment: For these reasons, this variant has been classified as Pathogenic. ClinVar contains an entry for this variant (Variation ID: 1007003). This variant has not been reported in the literature in individuals affected with POLE-related conditions. This variant is not present in population databases (gnomAD no frequency). This sequence change creates a premature translational stop signal (p.Gln2208*) in the POLE gene. It is expected to result in an absent or disrupted protein product. Loss-of-function variants in POLE are known to be pathogenic (PMID: 23230001, 25948378, 30503519).

Literature cited by the submitters: PubMed 23230001; PubMed 25948378; PubMed 30503519.

NM_006231.4(POLE):c.6622C>T (p.Gln2208Ter)

Gene: POLE (DNA polymerase epsilon, catalytic subunit; minus strand). Cytogenetic location: 12q24.33.
Variant type: single nucleotide variant.
Coding change: c.6622C>T on transcript NM_006231.4 (MANE Select); coding-DNA position 6622, C replaced by T.
Protein change: p.Gln2208Ter; replaces glutamine 2208 with a stop codon.
Molecular consequence: nonsense.
Genome position (GRCh38, 1-based): chr12:132,625,680, G>A on the plus strand (C>T on the coding strand, the complement: POLE is on the minus strand). VCF-style: chr12-132625680-G-A. GRCh37 (hg19) VCF-style: chr12-133202266-G-A.
Other names: short protein forms Q2208*.
Identifiers: ClinVar variation 1007003 (VCV001007003.8), dbSNP rs2041823623, ClinGen allele CA387366534.